The following is an entry in ClinVar:

NC_000018.9:g.(?_53017570)_(53070769_?)del

Gene: TCF4 (transcription factor 4; minus strand). Cytogenetic location: 18q21.2.
Variant type: Deletion.
Identifiers: ClinVar variation 2423676 (VCV002423676.4).

ClinVar aggregate classification (germline): Pathogenic (1 of 4 stars; one submission).

Conditions:
Pitt-Hopkins syndrome (PTHS). Also called: ENCEPHALOPATHY, SEVERE EPILEPTIC, WITH AUTONOMIC DYSFUNCTION; MENTAL RETARDATION, SYNDROMAL, WITH INTERMITTENT HYPERVENTILATION. Identifiers: Orphanet 2896, MedGen C1970431, MONDO:0012589, OMIM 610954.

Submission:

Labcorp Genetics (formerly Invitae), Labcorp
Classification: Pathogenic for Pitt-Hopkins syndrome. Last evaluated: 2022-01-04. Review status: criteria provided, single submitter. Criteria: Invitae Variant Classification Sherloc (09022015). Collection method: clinical testing. Allele origin: germline.
Comment: This variant is a gross deletion of the genomic region encompassing exon(s) 6-8 of the TCF4 gene. This deletion is out-of-frame, and is expected to create a premature termination codon and result in an absent or disrupted protein product. Loss-of-function variants in TCF4 are known to be pathogenic (PMID: 18728071, 22045651). For these reasons, this variant has been classified as Pathogenic. A similar copy number variant has been observed in individual(s) with Pitt-Hopkins syndrome (PMID: 19938247).

Literature cited by the submitters: PubMed 18728071; PubMed 22045651; PubMed 19938247.